The following is an entry in ClinVar:

ClinVar aggregate classification (germline): Uncertain significance (1 of 4 stars; one submission).

Submission:

Labcorp Genetics (formerly Invitae), Labcorp
Classification: Uncertain significance. Last evaluated: 2025-08-03. Review status: criteria provided, single submitter. Criteria: Invitae Variant Classification Sherloc (09022015). Collection method: clinical testing. Allele origin: germline.
Comment: This sequence change replaces aspartic acid, which is acidic and polar, with asparagine, which is neutral and polar, at codon 506 of the ANKZF1 protein (p.Asp506Asn). This variant is not present in population databases (gnomAD no frequency). This variant has not been reported in the literature in individuals affected with ANKZF1-related conditions. An algorithm developed to predict the effect of missense changes on protein structure and function (PolyPhen-2) suggests that this variant is likely to be tolerated. In summary, the available evidence is currently insufficient to determine the role of this variant in disease. Therefore, it has been classified as a Variant of Uncertain Significance.

NM_018089.3(ANKZF1):c.1516G>A (p.Asp506Asn)

Gene: ANKZF1 (ankyrin repeat and zinc finger peptidyl tRNA hydrolase 1; plus strand). Cytogenetic location: 2q35.
Variant type: single nucleotide variant.
Coding change: c.1516G>A on transcript NM_018089.3 (MANE Select); coding-DNA position 1516, G replaced by A.
Protein change: p.Asp506Asn; replaces aspartic acid 506 with asparagine.
Molecular consequence: missense variant.
Genome position (GRCh38, 1-based): chr2:219,235,137, G>A. VCF-style: chr2-219235137-G-A. GRCh37 (hg19) VCF-style: chr2-220099859-G-A.
Other names: c.1516G>A, p.Asp506Asn (NM_001042410.2); c.886G>A, p.Asp296Asn (NM_001282792.2); short protein forms D296N, D506N.
Identifiers: ClinVar variation 4771997 (VCV004771997.1).
Genomic context (GRCh38, chr2:219,235,137, plus strand): 5'-GCCAAAGCCCCTGGTCAGCCAGAGCTCTGGAATGCACTGCTTGCTGCTTGCCGAGCTGGA[G>A]ATGTTGGAGTGCTAAAGCTGCAGCTAGCTCCCAGCCCTGCAGACCCTAGAGTTCTGTCTC-3'
Protein context (NP_060559.2, residues 496-516): NALLAACRAG[Asp506Asn]VGVLKLQLAP